The following is an entry in ClinVar:

ClinVar aggregate classification (germline): Conflicting classifications of pathogenicity. Review status: criteria provided, conflicting classifications (1 of 4 stars). 2 submissions from 1 submitter: Uncertain significance (1); Benign (1). Last evaluated 2018-01-12.

Conditions:
Optic atrophy 3 (OPA3). Also called: Optic atrophy, cataract, and neurologic disorder; OPTIC ATROPHY 3, AUTOSOMAL DOMINANT; Optic atrophy 3 with cataract. Identifiers: Orphanet 67036, MedGen C1833809, MONDO:0008133, OMIM 165300.
3-Methylglutaconic aciduria type 3 (MGCA3). Also called: OPA3-Related 3-Methylglutaconic Aciduria; Costeff Syndrome; OPA3, AUTOSOMAL RECESSIVE; OPTIC ATROPHY 3, AUTOSOMAL RECESSIVE. Identifiers: Orphanet 67047, MedGen C0574084, MONDO:0009787, OMIM 258501.

Allele frequency attached by ClinVar (database versions not stated): gnomAD 0.00170 and 0.00185; 1000 Genomes Project 30x 0.00250; TOPMed 0.00241; 1000 Genomes Project 0.00220.

Submissions (2):

Illumina Laboratory Services, Illumina
Classification: Uncertain significance for 3-Methylglutaconic aciduria type 3. Last evaluated: 2018-01-12. Review status: criteria provided, single submitter. Criteria: ICSL Variant Classification Criteria 13 December 2019. Collection method: clinical testing. Allele origin: germline.

Illumina Laboratory Services, Illumina
Classification: Benign for Optic atrophy 3. Last evaluated: 2018-01-12. Review status: criteria provided, single submitter. Criteria: ICSL Variant Classification Criteria 13 December 2019. Collection method: clinical testing. Allele origin: germline.
Comment: This variant was observed in the ICSL laboratory as part of a predisposition screen in an ostensibly healthy population. It had not been previously curated by ICSL or reported in the Human Gene Mutation Database (HGMD: prior to June 1st, 2018), and was therefore a candidate for classification through an automated scoring system. Utilizing variant allele frequency, disease prevalence and penetrance estimates, and inheritance mode, an automated score was calculated to assess if this variant is too frequent to cause the disease. Based on the score and internal cut-off values, a variant classified as benign is not then subjected to further curation. The score for this variant resulted in a classification of benign for this disease.

NM_025136.3(OPA3):c.-113T>C

Gene: OPA3 (outer mitochondrial membrane lipid metabolism regulator OPA3; minus strand). Cytogenetic location: 19q13.32.
Variant type: single nucleotide variant.
Coding change: c.-113T>C on transcript NM_025136.3; 113 bases upstream of the start codon, T replaced by C.
Genome position (GRCh38, 1-based): chr19:45,584,877, A>G on the plus strand (T>C on the coding strand, the complement: OPA3 is on the minus strand). VCF-style: chr19-45584877-A-G. GRCh37 (hg19) VCF-style: chr19-46088135-A-G.
Identifiers: ClinVar variation 369268 (VCV000369268.7), dbSNP rs139731330, ClinGen allele CA10654592.